The following is an entry in ClinVar:

NM_001164508.2(NEB):c.17415C>A (p.Tyr5805Ter)

Gene: NEB (nebulin; minus strand). Cytogenetic location: 2q23.3.
Variant type: single nucleotide variant.
Coding change: c.17415C>A on transcript NM_001164508.2 (MANE Select); coding-DNA position 17415, C replaced by A.
Protein change: p.Tyr5805Ter; replaces tyrosine 5805 with a stop codon.
Molecular consequence: nonsense.
Genome position (GRCh38, 1-based): chr2:151,570,096, G>T on the plus strand (C>A on the coding strand, the complement: NEB is on the minus strand). VCF-style: chr2-151570096-G-T. GRCh37 (hg19) VCF-style: chr2-152426610-G-T.
Other names: NM_001164508.2(NEB):c.17415C>A; p.Tyr5805Ter; c.17415C>A, p.Tyr5805Ter (NM_001164507.2, NM_001271208.2); c.12312C>A, p.Tyr4104Ter (NM_004543.5); short protein forms Y4104*, Y5805*.
Identifiers: ClinVar variation 644721 (VCV000644721.7), dbSNP rs555516831, ClinGen allele CA348807183.

ClinVar aggregate classification (germline): Pathogenic/Likely pathogenic. Review status: criteria provided, multiple submitters, no conflicts (2 of 4 stars). 2 submissions from 2 submitters: Pathogenic (1); Likely pathogenic (1). Last evaluated 2025-03-10.

Conditions:
Nemaline myopathy. Also called: Myopathies, Nemaline. Identifiers: Orphanet 607, MedGen C0206157, MONDO:0018958.
Nemaline myopathy 2 (NEM2). Also called: Nemaline myopathy 2, autosomal recessive. Identifiers: MedGen C1850569, MONDO:0009725, OMIM 256030.

gnomAD v4.1: 1 of 1,609,074 alleles (0.000062%); highest among the groups gnomAD compares: Non-Finnish European, 0.000085%; no homozygotes.

Submissions (2):

Broad Center for Mendelian Genomics, Broad Institute of MIT and Harvard
Classification: Likely pathogenic for Nemaline myopathy. Last evaluated: 2025-03-10. Review status: criteria provided, single submitter. Criteria: ACMG Guidelines, 2015. Collection method: curation. Allele origin: germline. Inheritance: Autosomal recessive inheritance.
Comment: The p.Tyr5805Ter variant in NEB has not been previously reported in the literature in individuals with nemaline myopathy, but has been identified in 0.00009% (1/1177712) of European (non-Finnish) chromosomes by the Genome Aggregation Database (gnomAD; dbSNP ID: rs555516831). Although this variant has been seen in the general population in a heterozygous state, its frequency is low enough to be consistent with a recessive carrier frequency. This variant has also been reported in ClinVar (Variation ID: 644721) and has been interpreted as pathogenic by Invitae. This nonsense variant leads to a premature termination codon at position 5805, which is predicted to lead to a truncated or absent protein. Loss of function of the NEB gene is an established disease mechanism in autosomal recessive nemaline myopathy. In summary, although additional studies are required to fully establish its clinical significance, this variant is likely pathogenic for autosomal recessive nemaline myopathy. ACMG/AMP Criteria applied: PVS1, PM2_supporting (Richards 2015).

Labcorp Genetics (formerly Invitae), Labcorp
Classification: Pathogenic for Nemaline myopathy 2. Last evaluated: 2018-11-14. Review status: criteria provided, single submitter. Criteria: Invitae Variant Classification Sherloc (09022015). Collection method: clinical testing. Allele origin: germline.
Comment: This sequence change creates a premature translational stop signal (p.Tyr5805*) in the NEB gene. It is expected to result in an absent or disrupted protein product. This variant is not present in population databases (ExAC no frequency). This variant has not been reported in the literature in individuals with NEB-related disease. Loss-of-function variants in NEB are known to be pathogenic (PMID: 25205138). For these reasons, this variant has been classified as Pathogenic.

Literature cited by the submitters: PubMed 25205138 (cited by Labcorp Genetics (formerly Invitae), Labcorp).